The following is an entry in ClinVar:

NM_000059.4(BRCA2):c.617C>A (p.Ser206Tyr)

Gene: BRCA2 (BRCA2 DNA repair associated; plus strand). Cytogenetic location: 13q13.1.
Variant type: single nucleotide variant.
Coding change: c.617C>A on transcript NM_000059.4 (MANE Select); coding-DNA position 617, C replaced by A.
Protein change: p.Ser206Tyr; replaces serine 206 with tyrosine.
Molecular consequence: missense variant.
Genome position (GRCh38, 1-based): chr13:32,326,599, C>A. VCF-style: chr13-32326599-C-A. GRCh37 (hg19) VCF-style: chr13-32900736-C-A.
Other names: short protein forms S206Y.
Identifiers: ClinVar variation 485433 (VCV000485433.15), dbSNP rs397507832, ClinGen allele CA387758328.

ClinVar aggregate classification (germline): Uncertain significance. Review status: criteria provided, multiple submitters, no conflicts (2 of 4 stars). 2 submissions from 2 submitters: Uncertain significance (2). Last evaluated 2019-10-01.

Conditions:
Hereditary cancer-predisposing syndrome. Also called: Neoplastic Syndromes, Hereditary; Tumor predisposition; Hereditary Cancer Syndrome; Hereditary neoplastic syndrome. Identifiers: Orphanet 140162, MedGen C0027672, MeSH D009386, MONDO:0015356.
Hereditary breast ovarian cancer syndrome. Also called: Hereditary breast and ovarian cancer syndrome; Hereditary breast and ovarian cancer; Hereditary breast and ovarian cancer syndrome (HBOC); Breast and ovarian cancer; Hereditary breast and/or ovarian cancer syndrome; BRCA1- and BRCA2-Associated Hereditary Breast and Ovarian Cancer. Identifiers: Orphanet 145, MedGen C0677776, MeSH D061325, MONDO:0003582. Disease mechanism: loss of function.

Submissions (2):

Labcorp Genetics (formerly Invitae), Labcorp
Classification: Uncertain significance for Hereditary breast ovarian cancer syndrome. Last evaluated: 2019-10-01. Review status: criteria provided, single submitter. Criteria: Invitae Variant Classification Sherloc (09022015). Collection method: clinical testing. Allele origin: germline.
Comment: In summary, the available evidence is currently insufficient to determine the role of this variant in disease. Therefore, it has been classified as a Variant of Uncertain Significance. Algorithms developed to predict the effect of missense changes on protein structure and function are either unavailable or do not agree on the potential impact of this missense change (SIFT: "Tolerated"; PolyPhen-2: "Probably Damaging"; Align-GVGD: "Class C0"). This variant has not been reported in the literature in individuals with BRCA2-related conditions. ClinVar contains an entry for this variant (Variation ID: 485433). This variant is not present in population databases (ExAC no frequency). This sequence change replaces serine with tyrosine at codon 206 of the BRCA2 protein (p.Ser206Tyr). The serine residue is moderately conserved and there is a large physicochemical difference between serine and tyrosine.

Ambry Genetics
Classification: Uncertain significance for Hereditary cancer-predisposing syndrome. Last evaluated: 2017-02-28. Review status: criteria provided, single submitter. Criteria: Ambry Variant Classification Scheme 2023. Collection method: clinical testing. Allele origin: germline.
Comment: The p.S206Y variant (also known as c.617C>A), located in coding exon 6 of the BRCA2 gene, results from a C to A substitution at nucleotide position 617. The serine at codon 206 is replaced by tyrosine, an amino acid with dissimilar properties. This amino acid position is well conserved in available vertebrate species. In addition, this alteration is predicted to be tolerated by in silico analysis. Since supporting evidence is limited at this time, the clinical significance of this alteration remains unclear.